The following is an entry in ClinVar:

NM_001040616.3(LINS1):c.1534T>A (p.Phe512Ile)

Gene: LINS1 (lines homolog 1; minus strand). Cytogenetic location: 15q26.3.
Variant type: single nucleotide variant.
Coding change: c.1534T>A on transcript NM_001040616.3 (MANE Select); coding-DNA position 1534, T replaced by A.
Protein change: p.Phe512Ile; replaces phenylalanine 512 with isoleucine.
Molecular consequence: missense variant. On other transcripts: non-coding transcript variant (3).
Genome position (GRCh38, 1-based): chr15:100,569,978, A>T on the plus strand (T>A on the coding strand, the complement: LINS1 is on the minus strand). VCF-style: chr15-100569978-A-T. GRCh37 (hg19) VCF-style: chr15-101110183-A-T.
Other names: c.787T>A, p.Phe263Ile (NM_001352507.2); c.1381T>A, p.Phe461Ile (NM_001352508.2); short protein forms F263I, F461I, F512I.
Identifiers: ClinVar variation 1799604 (VCV001799604.3), dbSNP rs777896839, ClinGen allele CA7759381.
Genomic context (GRCh38, chr15:100,569,978, plus strand): 5'-GCAGTAATTTTAAATATCTAACAAAATATTCAAGAAAACAGGTTTCTGATGAAATCAAAA[A>T]GTCAAGAAGAACTGTGGAATCAAATCCTATATTTTTCAAGAAGAACAAGAAAATACAGTG-3'
Protein context (NP_001035706.2, residues 502-522): IGFDSTVLLD[Phe512Ile]LISSETCFLE

ClinVar aggregate classification (germline): Uncertain significance. Review status: criteria provided, multiple submitters, no conflicts (2 of 4 stars). 2 submissions from 2 submitters: Uncertain significance (2). Last evaluated 2026-02-23.

Conditions:
Inborn genetic diseases. Identifiers: MedGen C0950123, MeSH D030342.

Allele frequency attached by ClinVar (database versions not stated): ExAC 0.00001.

Submissions (2):

GeneDx
Classification: Uncertain significance. Last evaluated: 2026-02-23. Review status: criteria provided, single submitter. Criteria: GeneDx Variant Classification Process June 2021. Collection method: clinical testing. Allele origin: germline.
Comment: Not observed at significant frequency in large population cohorts (gnomAD); In silico analysis suggests that this missense variant does not alter protein structure/function; Has not been previously published as pathogenic or benign to our knowledge

Ambry Genetics
Classification: Uncertain significance for Inborn genetic diseases. Last evaluated: 2019-08-30. Review status: criteria provided, single submitter. Criteria: Ambry Variant Classification Scheme 2023. Collection method: clinical testing. Allele origin: germline.
Comment: The p.F512I variant (also known as c.1534T>A), located in coding exon 6 of the LINS gene, results from a T to A substitution at nucleotide position 1534. The phenylalanine at codon 512 is replaced by isoleucine, an amino acid with highly similar properties. This amino acid position is highly conserved in available vertebrate species. In addition, the in silico prediction for this alteration is inconclusive. Since supporting evidence is limited at this time, the clinical significance of this alteration remains unclear.